The following is an entry in ClinVar:

ClinVar aggregate classification (germline): Conflicting classifications of pathogenicity. Review status: criteria provided, conflicting classifications (1 of 4 stars). 4 submissions from 4 submitters: Uncertain significance (3); Likely benign (1). Last evaluated 2025-10-13.

Conditions:
HYPERHOMOCYSTEINEMIA, THROMBOTIC, CBS-RELATED. Identifiers: MedGen C3150344, OMIM 236200.
Familial thoracic aortic aneurysm and aortic dissection (TAAD). Also called: Thoracic aortic aneurysms and dissections. Identifiers: Orphanet 91387, MedGen C4707243, MONDO:0019625.

Allele frequency attached by ClinVar (database versions not stated): gnomAD exomes 0.00004; ExAC 0.00007; ESP Exome Variant Server 0.00008.

Submissions (4):

Labcorp Genetics (formerly Invitae), Labcorp
Classification: Likely benign for HYPERHOMOCYSTEINEMIA, THROMBOTIC, CBS-RELATED. Last evaluated: 2025-10-13. Review status: criteria provided, single submitter. Criteria: Invitae Variant Classification Sherloc (09022015). Collection method: clinical testing. Allele origin: germline.

Women's Health and Genetics/Laboratory Corporation of America, LabCorp
Classification: Uncertain significance. Last evaluated: 2025-03-31. Review status: criteria provided, single submitter. Criteria: LabCorp Variant Classification Summary - May 2015. Collection method: clinical testing. Allele origin: germline.
Comment: Variant summary: CBS c.175C>T (p.Pro59Ser) results in a non-conservative amino acid change in the encoded protein sequence. Three of five in-silico tools predict a benign effect of the variant on protein function. The variant allele was found at a frequency of 3.6e-05 in 250274 control chromosomes (gnomAD). The available data on variant occurrences in the general population are insufficient to allow any conclusion about variant significance. To our knowledge, no occurrence of c.175C>T in individuals affected with Homocystinuria and no experimental evidence demonstrating its impact on protein function have been reported. ClinVar contains an entry for this variant (Variation ID: 951277). Based on the evidence outlined above, the variant was classified as uncertain significance.

GeneDx
Classification: Uncertain significance. Last evaluated: 2025-02-26. Review status: criteria provided, single submitter. Criteria: GeneDx Variant Classification Process June 2021. Collection method: clinical testing. Allele origin: germline. Affected: yes.
Comment: Not observed at significant frequency in large population cohorts (gnomAD); In silico analysis indicates that this missense variant does not alter protein structure/function; Has not been previously published as pathogenic or benign to our knowledge

Ambry Genetics
Classification: Uncertain significance for Familial thoracic aortic aneurysm and aortic dissection. Last evaluated: 2018-06-11. Review status: criteria provided, single submitter. Criteria: Ambry Variant Classification Scheme 2023. Collection method: clinical testing. Allele origin: germline.
Comment: The p.P59S variant (also known as c.175C>T), located in coding exon 1 of the CBS gene, results from a C to T substitution at nucleotide position 175. The proline at codon 59 is replaced by serine, an amino acid with similar properties. This amino acid position is not well conserved in available vertebrate species, and serine is the reference amino acid in other vertebrate species. In addition, this alteration is predicted to be tolerated by in silico analysis. Since supporting evidence is limited at this time, the clinical significance of this alteration remains unclear.

NM_000071.3(CBS):c.175C>T (p.Pro59Ser)

Gene: CBS (cystathionine beta-synthase; minus strand). Cytogenetic location: 21q22.3.
Variant type: single nucleotide variant.
Coding change: c.175C>T on transcript NM_000071.3 (MANE Select); coding-DNA position 175, C replaced by T.
Protein change: p.Pro59Ser; replaces proline 59 with serine.
Molecular consequence: missense variant.
Genome position (GRCh38, 1-based): chr21:43,072,019, G>A on the plus strand (C>T on the coding strand, the complement: CBS is on the minus strand). VCF-style: chr21-43072019-G-A. GRCh37 (hg19) VCF-style: chr21-44492129-G-A.
Other names: c.175C>T, p.Pro59Ser (NM_001178008.3, NM_001178009.3, NM_001320298.2); short protein forms P59S.
Identifiers: ClinVar variation 951277 (VCV000951277.15), dbSNP rs376496085, ClinGen allele CA321103799.